The following is an entry in ClinVar:

NM_002746.3(MAPK3):c.69G>A (p.Gly23=)

Gene: MAPK3 (mitogen-activated protein kinase 3; minus strand). Cytogenetic location: 16p11.2.
Variant type: single nucleotide variant.
Coding change: c.69G>A on transcript NM_002746.3 (MANE Select); coding-DNA position 69, G replaced by A.
Protein change: p.Gly23=; no amino-acid change (glycine 23 retained).
Molecular consequence: synonymous variant.
Genome position (GRCh38, 1-based): chr16:30,123,141, C>T on the plus strand (G>A on the coding strand, the complement: MAPK3 is on the minus strand). VCF-style: chr16-30123141-C-T. GRCh37 (hg19) VCF-style: chr16-30134462-C-T.
Other names: c.69G>A, p.Gly23= (NM_001040056.3, NM_001109891.2).
Identifiers: ClinVar variation 3037690 (VCV003037690.2), dbSNP rs2543714902, ClinGen allele CA494598411.

ClinVar aggregate classification (germline): Likely benign (0 of 4 stars; one submission).

Conditions:
MAPK3-related disorder. Also called: MAPK3-related condition.

Allele frequency attached by ClinVar (database versions not stated): gnomAD exomes below 0.00001.
gnomAD v4.1: 1 of 1,538,840 alleles (0.000065%); highest among the groups gnomAD compares: Non-Finnish European, 0.000088%; no homozygotes.

Submission:

PreventionGenetics, part of Exact Sciences
Classification: Likely benign for MAPK3-related condition. Last evaluated: 2019-03-04. Review status: no assertion criteria provided. Collection method: clinical testing. Allele origin: germline.
Comment: This variant is classified as likely benign based on ACMG/AMP sequence variant interpretation guidelines (Richards et al. 2015 PMID: 25741868, with internal and published modifications).